The following is an entry in ClinVar:

NM_001042492.3(NF1):c.3911T>A (p.Leu1304Ter)

Gene: NF1 (neurofibromin 1; plus strand). Cytogenetic location: 17q11.2.
Variant type: single nucleotide variant.
Coding change: c.3911T>A on transcript NM_001042492.3 (MANE Select); coding-DNA position 3911, T replaced by A.
Protein change: p.Leu1304Ter; replaces leucine 1304 with a stop codon.
Molecular consequence: nonsense.
Genome position (GRCh38, 1-based): chr17:31,235,958, T>A. VCF-style: chr17-31235958-T-A. GRCh37 (hg19) VCF-style: chr17-29562976-T-A.
Other names: c.3911T>A, p.Leu1304Ter (NM_000267.4); short protein forms L1304*.
Identifiers: ClinVar variation 373284 (VCV000373284.2), dbSNP rs761512189, ClinGen allele CA16043044.

ClinVar aggregate classification (germline): Pathogenic (1 of 4 stars; one submission).

Submission:

GeneDx
Classification: Pathogenic. Last evaluated: 2017-11-30. Review status: criteria provided, single submitter. Criteria: GeneDx Variant Classification (06012015). Collection method: clinical testing. Allele origin: germline. Affected: yes.
Comment: The L1304X nonsense variant in the NF1 gene is predicted to cause loss of normal protein function either through protein truncation or nonsense-mediated mRNA decay. The variant was not observed in approximately 6,500 individuals of European and African American ancestry in the NHLBI Exome Sequencing Project, indicating it is not a common benign variant in these populations. Additionally, another variant at the same nucleotide, c.3911 T>G, results in the L1304X nonsense variant and has been reported in association with neurofibromatosis type 1 in the Human Gene Mutation database (Stenson et al., 2014).